The following is an entry in ClinVar:

ClinVar aggregate classification (germline): Uncertain significance (1 of 4 stars; one submission).

Conditions:
Osteogenesis imperfecta type I (OI1). Also called: Lobstein's Disease; Lobstein disease; Classic Non-deforming Osteogenesis Imperfecta with Blue Sclerae; OI, TYPE I; OSTEOGENESIS IMPERFECTA TARDA; OSTEOGENESIS IMPERFECTA WITH BLUE SCLERAE. Identifiers: Orphanet 216796, Orphanet 666, MedGen C0023931, MONDO:0008146, OMIM 166200. Disease mechanism: loss of function.

Submission:

Labcorp Genetics (formerly Invitae), Labcorp
Classification: Uncertain significance for Osteogenesis imperfecta type I. Last evaluated: 2025-03-26. Review status: criteria provided, single submitter. Criteria: Invitae Variant Classification Sherloc (09022015). Collection method: clinical testing. Allele origin: germline.
Comment: This sequence change falls in intron 11 of the COL1A1 gene. It does not directly change the encoded amino acid sequence of the COL1A1 protein. It affects a nucleotide within the consensus splice site. This variant is not present in population databases (gnomAD no frequency). This variant has not been reported in the literature in individuals affected with COL1A1-related conditions. ClinVar contains an entry for this variant (Variation ID: 2730949). Variants that disrupt the consensus splice site are a relatively common cause of aberrant splicing (PMID: 17576681, 9536098). Algorithms developed to predict the effect of sequence changes on RNA splicing suggest that this variant may disrupt the consensus splice site. In summary, the available evidence is currently insufficient to determine the role of this variant in disease. Therefore, it has been classified as a Variant of Uncertain Significance.

Literature cited by the submitters: PubMed 17576681; PubMed 9536098.

NM_000088.4(COL1A1):c.804+3G>T

Genes: COL1A1 (collagen type I alpha 1 chain; minus strand), LOC126862586 (CDK7 strongly-dependent group 2 enhancer GRCh37_chr17:48273702-48274901; plus strand). Cytogenetic location: 17q21.33.
Variant type: single nucleotide variant.
Coding change: c.804+3G>T on transcript NM_000088.4 (MANE Select); 3 bases into the intron after coding-DNA position 804, G replaced by T.
Molecular consequence: intron variant.
Genome position (GRCh38, 1-based): chr17:50,197,007, C>A on the plus strand (G>T on the coding strand, the complement: COL1A1 is on the minus strand). VCF-style: chr17-50197007-C-A. GRCh37 (hg19) VCF-style: chr17-48274368-C-A.
Identifiers: ClinVar variation 2730949 (VCV002730949.3), dbSNP rs371309429, ClinGen allele CA2576317505.
Genomic context (GRCh38, chr17:50,197,007, plus strand): 5'-GTTGGGACTGGATGGGGGTATGCTAGGGACTTGGGGAGCTTAAATGACTCAAAGGTGACT[C>A]ACTCTGTGTCCCTTCATTCCAGGGAGGCCAGCTGTTCCGGGCAATCCTCGAGCACCCTGG-3'